The following is an entry in ClinVar:

NM_017415.3(KLHL3):c.97A>G (p.Met33Val)

Gene: KLHL3 (kelch like family member 3; minus strand). Cytogenetic location: 5q31.2.
Variant type: single nucleotide variant.
Coding change: c.97A>G on transcript NM_017415.3 (MANE Select); coding-DNA position 97, A replaced by G.
Protein change: p.Met33Val; replaces methionine 33 with valine.
Molecular consequence: missense variant. On other transcripts: initiator codon variant (1).
Genome position (GRCh38, 1-based): chr5:137,720,502, T>C on the plus strand (A>G on the coding strand, the complement: KLHL3 is on the minus strand). VCF-style: chr5-137720502-T-C. GRCh37 (hg19) VCF-style: chr5-137056191-T-C.
Other names: c.97A>G (NM_017415.2); c.1A>G, p.Met1Val (NM_001257194.1); short protein forms M33V, M1V.
Identifiers: ClinVar variation 1952514 (VCV001952514.7), dbSNP rs769262951, ClinGen allele CA3422572.

ClinVar aggregate classification (germline): Uncertain significance. Review status: criteria provided, multiple submitters, no conflicts (2 of 4 stars). 2 submissions from 2 submitters: Uncertain significance (2). Last evaluated 2025-06-23.

Conditions:
Inborn genetic diseases. Identifiers: MedGen C0950123, MeSH D030342.

Allele frequency attached by ClinVar (database versions not stated): gnomAD 0.00001; TOPMed 0.00001; ExAC 0.00002.
gnomAD v4.1: 22 of 1,614,048 alleles (0.0014%); highest among the groups gnomAD compares: Admixed American, 0.0083%; no homozygotes.

Submissions (2):

Ambry Genetics
Classification: Uncertain significance for Inborn genetic diseases. Last evaluated: 2025-06-23. Review status: criteria provided, single submitter. Criteria: Ambry Variant Classification Scheme 2023. Collection method: clinical testing. Allele origin: germline.

Labcorp Genetics (formerly Invitae), Labcorp
Classification: Uncertain significance. Last evaluated: 2024-05-11. Review status: criteria provided, single submitter. Criteria: Invitae Variant Classification Sherloc (09022015). Collection method: clinical testing. Allele origin: germline.
Comment: This sequence change replaces methionine, which is neutral and non-polar, with valine, which is neutral and non-polar, at codon 33 of the KLHL3 protein (p.Met33Val). This variant is present in population databases (rs769262951, gnomAD 0.009%). This variant has not been reported in the literature in individuals affected with KLHL3-related conditions. ClinVar contains an entry for this variant (Variation ID: 1952514). Advanced modeling of protein sequence and biophysical properties (such as structural, functional, and spatial information, amino acid conservation, physicochemical variation, residue mobility, and thermodynamic stability) performed at Invitae indicates that this missense variant is not expected to disrupt KLHL3 protein function with a negative predictive value of 80%. In summary, the available evidence is currently insufficient to determine the role of this variant in disease. Therefore, it has been classified as a Variant of Uncertain Significance.